The following is an entry in ClinVar:

ClinVar aggregate classification (germline): Benign. Review status: criteria provided, multiple submitters, no conflicts (2 of 4 stars). 3 submissions from 3 submitters: Benign (3). Last evaluated 2020-10-21.

Conditions:
Huntington disease-like 1 (HDL1). Also called: HUNTINGTON-LIKE NEURODEGENERATIVE DISORDER 1; HUNTINGTON-LIKE NEURODEGENERATIVE DISORDER, AUTOSOMAL DOMINANT; PRION DISEASE, EARLY-ONSET, WITH PROMINENT PSYCHIATRIC FEATURES. Identifiers: Orphanet 157941, MedGen C1864112, MONDO:0011299, OMIM 603218.
Inherited prion disease. Identifiers: Orphanet 280400, MedGen C5679775, MONDO:0017234.

Allele frequency attached by ClinVar (database versions not stated): gnomAD exomes 0.00008 and 0.00014; ExAC 0.00022; gnomAD 0.00022 and 0.00023; ESP Exome Variant Server 0.00888; 1000 Genomes Project 0.06190.
gnomAD v4.1: 147 of 1,569,202 alleles (0.0094%); highest among the groups gnomAD compares: African/African-American, 0.048%; 1 homozygote.

Submissions (3):

Labcorp Genetics (formerly Invitae), Labcorp
Classification: Benign for Huntington disease-like 1. Last evaluated: 2020-10-21. Review status: criteria provided, single submitter. Criteria: Invitae Variant Classification Sherloc (09022015). Collection method: clinical testing. Allele origin: germline.

Illumina Laboratory Services, Illumina
Classification: Benign for Genetic prion diseases. Last evaluated: 2018-01-12. Review status: criteria provided, single submitter. Criteria: ICSL Variant Classification Criteria 13 December 2019. Collection method: clinical testing. Allele origin: germline.
Comment: This variant was observed in the ICSL laboratory as part of a predisposition screen in an ostensibly healthy population. It had not been previously curated by ICSL or reported in the Human Gene Mutation Database (HGMD: prior to June 1st, 2018), and was therefore a candidate for classification through an automated scoring system. Utilizing variant allele frequency, disease prevalence and penetrance estimates, and inheritance mode, an automated score was calculated to assess if this variant is too frequent to cause the disease. Based on the score and internal cut-off values, a variant classified as benign is not then subjected to further curation. The score for this variant resulted in a classification of benign for this disease.

Breakthrough Genomics
Classification: Benign. Review status: criteria provided, single submitter. Criteria: ACMG Guidelines, 2015. Collection method: not provided. Allele origin: germline. Inheritance: Other. Affected: yes.

NM_000311.5(PRNP):c.246A>G (p.Gly82=)

Gene: PRNP (prion protein (Kanno blood group); plus strand). Cytogenetic location: 20p13.
Variant type: single nucleotide variant.
Coding change: c.246A>G on transcript NM_000311.5 (MANE Select); coding-DNA position 246, A replaced by G.
Protein change: p.Gly82=; no amino-acid change (glycine 82 retained).
Molecular consequence: synonymous variant. On other transcripts: missense variant (1).
Genome position (GRCh38, 1-based): chr20:4,699,466, A>G. VCF-style: chr20-4699466-A-G. GRCh37 (hg19) VCF-style: chr20-4680112-A-G.
Other names: c.246A>G, p.Gly82= (NM_001080121.3, NM_001080122.3, NM_001080123.3 and 1 more transcripts); c.157A>G, p.Thr53Ala (NM_001271561.3); short protein forms T53A.
Identifiers: ClinVar variation 338648 (VCV000338648.13), dbSNP rs62643364, ClinGen allele CA9752040.